The following is an entry in ClinVar:

ClinVar aggregate classification (germline): Benign. Review status: criteria provided, multiple submitters, no conflicts (2 of 4 stars). 3 submissions from 2 submitters: Benign (3). Last evaluated 2018-01-13.

Conditions:
Charcot-Marie-Tooth disease type 2. Also called: Charcot-Marie-Tooth type 2. Identifiers: Orphanet 64746, MedGen C0270914, MONDO:0018993.
Hereditary motor and sensory neuropathy with optic atrophy. Also called: PERIPHERAL NEUROPATHY AND OPTIC ATROPHY; CHARCOT-MARIE-TOOTH DISEASE, TYPE 6. Identifiers: Orphanet 90120, MedGen C0393807, MONDO:0019551.

Allele frequency attached by ClinVar (database versions not stated): gnomAD 0.02046 and 0.02185; 1000 Genomes Project 30x 0.02264; gnomAD exomes 0.00210; TOPMed 0.02254; 1000 Genomes Project 0.02157.
gnomAD v4.1: 3,521 of 348,630 alleles (1%); highest among the groups gnomAD compares: African/African-American, 7%; 132 homozygotes.

Submissions (3):

Illumina Laboratory Services, Illumina
Classification: Benign for Charcot-Marie-Tooth disease, type 2. Last evaluated: 2018-01-13. Review status: criteria provided, single submitter. Criteria: ICSL Variant Classification Criteria 13 December 2019. Collection method: clinical testing. Allele origin: germline.
Comment: This variant was observed in the ICSL laboratory as part of a predisposition screen in an ostensibly healthy population. It had not been previously curated by ICSL or reported in the Human Gene Mutation Database (HGMD: prior to June 1st, 2018), and was therefore a candidate for classification through an automated scoring system. Utilizing variant allele frequency, disease prevalence and penetrance estimates, and inheritance mode, an automated score was calculated to assess if this variant is too frequent to cause the disease. Based on the score and internal cut-off values, a variant classified as benign is not then subjected to further curation. The score for this variant resulted in a classification of benign for this disease.

Illumina Laboratory Services, Illumina
Classification: Benign for Neuropathy, hereditary motor and sensory, type 6A. Last evaluated: 2018-01-13. Review status: criteria provided, single submitter. Criteria: ICSL Variant Classification Criteria 13 December 2019. Collection method: clinical testing. Allele origin: germline.
Comment: the same text as in the submission from Illumina Laboratory Services, Illumina above.

Breakthrough Genomics
Classification: Benign. Review status: criteria provided, single submitter. Criteria: ACMG Guidelines, 2015. Collection method: not provided. Allele origin: germline. Inheritance: Autosomal recessive inheritance. Affected: yes.

NM_014874.4(MFN2):c.*1576C>T

Gene: MFN2 (mitofusin 2; plus strand). Cytogenetic location: 1p36.22.
Variant type: single nucleotide variant.
Coding change: c.*1576C>T on transcript NM_014874.4 (MANE Select); 1576 bases downstream of the stop codon, C replaced by T.
Molecular consequence: 3 prime UTR variant.
Genome position (GRCh38, 1-based): chr1:12,013,141, C>T. VCF-style: chr1-12013141-C-T. GRCh37 (hg19) VCF-style: chr1-12073198-C-T.
Other names: c.*1576C>T (NM_001127660.2).
Identifiers: ClinVar variation 292409 (VCV000292409.6), dbSNP rs78523898, ClinGen allele CA10607995.